The following is an entry in ClinVar:

NM_006790.3(MYOT):c.815A>C (p.Lys272Thr)

Genes: PKD2L2-DT (PKD2L2 divergent transcript; minus strand), MYOT (myotilin; plus strand). Cytogenetic location: 5q31.2.
Variant type: single nucleotide variant.
Coding change: c.815A>C on transcript NM_006790.3 (MANE Select); coding-DNA position 815, A replaced by C.
Protein change: p.Lys272Thr; replaces lysine 272 with threonine.
Molecular consequence: missense variant.
Genome position (GRCh38, 1-based): chr5:137,882,104, A>C. VCF-style: chr5-137882104-A-C. GRCh37 (hg19) VCF-style: chr5-137217793-A-C.
Other names: c.263A>C, p.Lys88Thr (NM_001135940.2); c.470A>C, p.Lys157Thr (NM_001300911.2); short protein forms K157T, K272T, K88T.
Identifiers: ClinVar variation 1720359 (VCV001720359.6), dbSNP rs2532015253, ClinGen allele CA361055478.
Genomic context (GRCh38, chr5:137,882,104, plus strand): 5'-TCATTCAAGTGCCAGAGAACATGTCGATTGATGAAGGAAGATTCTGCAGAATGGACTTCA[A>C]AGTAAGAGAAGGGTTCAAAAGTACTGGGGGAAAATTAACAATGGGATACTAAGTTTTGAA-3'
Protein context (NP_006781.1, residues 262-282): DEGRFCRMDF[Lys272Thr]VSGLPAPDVS

ClinVar aggregate classification (germline): Uncertain significance (1 of 4 stars; one submission).

Conditions:
Myofibrillar myopathy 3 (MFM3). Also called: Muscular dystrophy, proximal, type 1A; Autosomal dominant spheroid body myopathy. Identifiers: Orphanet 266, Orphanet 268129, MedGen C3714934, MONDO:0012215, OMIM 609200.

Submission:

Labcorp Genetics (formerly Invitae), Labcorp
Classification: Uncertain significance for Myofibrillar myopathy 3. Last evaluated: 2022-09-27. Review status: criteria provided, single submitter. Criteria: Invitae Variant Classification Sherloc (09022015). Collection method: clinical testing. Allele origin: germline.
Comment: In summary, the available evidence is currently insufficient to determine the role of this variant in disease. Therefore, it has been classified as a Variant of Uncertain Significance. Algorithms developed to predict the effect of missense changes on protein structure and function are either unavailable or do not agree on the potential impact of this missense change (SIFT: "Tolerated"; PolyPhen-2: "Probably Damaging"; Align-GVGD: "Class C0"). This variant has not been reported in the literature in individuals affected with MYOT-related conditions. This variant is not present in population databases (gnomAD no frequency). This sequence change replaces lysine, which is basic and polar, with threonine, which is neutral and polar, at codon 272 of the MYOT protein (p.Lys272Thr).